The following is an entry in ClinVar:

ClinVar aggregate classification (germline): Pathogenic (0 of 4 stars; one submission).

Conditions:
Becker muscular dystrophy (BMD). Also called: MUSCULAR DYSTROPHY, PSEUDOHYPERTROPHIC PROGRESSIVE, BECKER TYPE; Becker Muscular Dystrophy (BMD). Identifiers: Orphanet 98895, MedGen C0917713, MONDO:0010311, OMIM 300376.
Duchenne muscular dystrophy (DMD). Also called: MUSCULAR DYSTROPHY, PSEUDOHYPERTROPHIC PROGRESSIVE, DUCHENNE TYPE; Duchenne Muscular Dystrophy (DMD). Identifiers: Orphanet 98896, MedGen C0013264, MONDO:0010679, OMIM 310200.

Submission:

Baylor Genetics
Classification: Pathogenic for Duchenne muscular dystrophy; Becker muscular dystrophy. Last evaluated: 2015-09-05. Review status: no assertion criteria provided. Collection method: clinical testing. Allele origin: maternal. Inheritance: X-linked inheritance. Affected: yes. Observed: 1 variant allele, 1 hemizygote.

Single allele

Gene: DMD (dystrophin; minus strand). Cytogenetic location: Xp21.1.
Variant type: Deletion.
Identifiers: ClinVar variation 374372 (VCV000374372.2).